The following is an entry in ClinVar:

ClinVar aggregate classification (germline): Benign/Likely benign. Review status: criteria provided, multiple submitters, no conflicts (2 of 4 stars). 3 submissions from 3 submitters: Benign (1); Likely benign (2). Last evaluated 2025-02-05.

Conditions:
POLD1-related polyposis and colorectal cancer syndrome (CRCS10). Also called: Colorectal cancer 10; COLORECTAL CANCER, SUSCEPTIBILITY TO, ON CHROMOSOME 19q; Colorectal cancer, susceptibility to, 10. Identifiers: Orphanet 220460, MedGen C2675481, MONDO:0012953, OMIM 612591.
Hereditary cancer-predisposing syndrome. Also called: Neoplastic Syndromes, Hereditary; Tumor predisposition; Hereditary Cancer Syndrome; Hereditary neoplastic syndrome. Identifiers: Orphanet 140162, MedGen C0027672, MeSH D009386, MONDO:0015356.

Allele frequency attached by ClinVar (database versions not stated): gnomAD exomes below 0.00001.
gnomAD v4.1: 1 of 1,562,482 alleles (0.000064%); highest among the groups gnomAD compares: Non-Finnish European, 0.000087%; no homozygotes.

Submissions (3):

Myriad Genetics, Inc.
Classification: Benign for POLD1-related polyposis and colorectal cancer syndrome. Last evaluated: 2025-02-05. Review status: criteria provided, single submitter. Criteria: Myriad Autosomal Dominant, Autosomal Recessive and X-Linked Classification Criteria (2023). Collection method: clinical testing. Allele origin: unknown.
Comment: This variant is considered benign. This variant is a silent/synonymous amino acid change and it is not expected to impact splicing.

Labcorp Genetics (formerly Invitae), Labcorp
Classification: Likely benign for POLD1-related polyposis and colorectal cancer syndrome. Last evaluated: 2024-05-17. Review status: criteria provided, single submitter. Criteria: Invitae Variant Classification Sherloc (09022015). Collection method: clinical testing. Allele origin: germline.

Ambry Genetics
Classification: Likely benign for Hereditary cancer-predisposing syndrome. Last evaluated: 2019-08-14. Review status: criteria provided, single submitter. Criteria: Ambry Variant Classification Scheme 2023. Collection method: clinical testing. Allele origin: germline.

NM_002691.4(POLD1):c.1090C>T (p.Leu364=)

Gene: POLD1 (DNA polymerase delta 1, catalytic subunit; plus strand). Cytogenetic location: 19q13.33.
Variant type: single nucleotide variant.
Coding change: c.1090C>T on transcript NM_002691.4 (MANE Select); coding-DNA position 1090, C replaced by T.
Protein change: p.Leu364=; no amino-acid change (leucine 364 retained).
Molecular consequence: synonymous variant. On other transcripts: non-coding transcript variant (1).
Genome position (GRCh38, 1-based): chr19:50,403,172, C>T. VCF-style: chr19-50403172-C-T. GRCh37 (hg19) VCF-style: chr19-50906429-C-T.
Other names: c.1090C>T, p.Leu364= (NM_001256849.1, NM_001308632.1).
Identifiers: ClinVar variation 1538375 (VCV001538375.11), dbSNP rs2122271161, ClinGen allele CA508182713.
Genomic context (GRCh38, chr19:50,403,172, plus strand): 5'-TGGGGGGAGCCGGAGCCCTTCCTACGCCTGGCGCTCACCCTGCGGCCCTGTGCCCCCATC[C>T]TGGGTGCCAAGGTGCAGAGCTACGAGAAGGAGGAGGACCTGCTGCAGGTAGCTCTCGCTC-3'
Protein context (NP_002682.2, residues 354-374): ALTLRPCAPI[Leu364=]GAKVQSYEKE